The following is an entry in ClinVar:

ClinVar aggregate classification (germline): Uncertain significance. Review status: criteria provided, multiple submitters, no conflicts (2 of 4 stars). 5 submissions from 5 submitters: Uncertain significance (4). 1 of the submissions does not count toward it. Last evaluated 2022-03-09.

Conditions:
Nemaline myopathy 2 (NEM2). Also called: Nemaline myopathy 2, autosomal recessive. Identifiers: MedGen C1850569, MONDO:0009725, OMIM 256030.

Allele frequency attached by ClinVar (database versions not stated): TOPMed 0.00006.
gnomAD v4.1: 33 of 1,577,402 alleles (0.0021%); highest among the groups gnomAD compares: African/African-American, 0.0068%; no homozygotes.

Submissions (5):

Labcorp Genetics (formerly Invitae), Labcorp
Classification: Uncertain significance for Nemaline myopathy 2. Last evaluated: 2022-03-09. Review status: criteria provided, single submitter. Criteria: Invitae Variant Classification Sherloc (09022015). Collection method: clinical testing. Allele origin: germline.
Comment: This sequence change replaces arginine, which is basic and polar, with cysteine, which is neutral and slightly polar, at codon 3207 of the NEB protein (p.Arg3207Cys). This variant is present in population databases (rs200351671, gnomAD 0.007%). This variant has not been reported in the literature in individuals affected with NEB-related conditions. ClinVar contains an entry for this variant (Variation ID: 548483). Algorithms developed to predict the effect of missense changes on protein structure and function are either unavailable or do not agree on the potential impact of this missense change (SIFT: "Deleterious"; PolyPhen-2: "Not Available"; Align-GVGD: "Class C0"). In summary, the available evidence is currently insufficient to determine the role of this variant in disease. Therefore, it has been classified as a Variant of Uncertain Significance.

Blueprint Genetics
Classification: Uncertain significance. Last evaluated: 2021-12-28. Review status: criteria provided, single submitter. Criteria: ACMG Guidelines, 2015. Collection method: clinical testing. Allele origin: germline.

Revvity Omics, Revvity
Classification: Uncertain significance. Last evaluated: 2021-03-25. Review status: criteria provided, single submitter. Criteria: ACMG Guidelines, 2015. Collection method: clinical testing. Allele origin: germline.

Genomic Research Center, Shahid Beheshti University of Medical Sciences
Classification: Uncertain significance for Nemaline myopathy 2. Last evaluated: 2018-03-05. Review status: criteria provided, single submitter. Criteria: ACMG Guidelines, 2015. Collection method: clinical testing. Allele origin: inherited. Affected: yes. Observed: 1 variant allele.

Natera, Inc.
Classification: Uncertain significance for Nemaline myopathy type 2. Last evaluated: 2020-03-10. Review status: no assertion criteria provided. Collection method: clinical testing. Allele origin: germline. Not counted in ClinVar's aggregate classification.

NM_001164508.2(NEB):c.9619C>T (p.Arg3207Cys)

Gene: NEB (nebulin; minus strand). Cytogenetic location: 2q23.3.
Variant type: single nucleotide variant.
Coding change: c.9619C>T on transcript NM_001164508.2 (MANE Select); coding-DNA position 9619, C replaced by T.
Protein change: p.Arg3207Cys; replaces arginine 3207 with cysteine.
Molecular consequence: missense variant.
Genome position (GRCh38, 1-based): chr2:151,630,819, G>A on the plus strand (C>T on the coding strand, the complement: NEB is on the minus strand). VCF-style: chr2-151630819-G-A. GRCh37 (hg19) VCF-style: chr2-152487333-G-A.
Other names: c.9619C>T, p.Arg3207Cys (NM_001164507.2, NM_001271208.2); c.8890C>T, p.Arg2964Cys (NM_004543.5); short protein forms R3207C, R2964C.
Identifiers: ClinVar variation 548483 (VCV000548483.16), dbSNP rs200351671, ClinGen allele CA1909251.